The following is an entry in ClinVar:

NM_001184900.3(CARD8):c.928C>T (p.Arg310Cys)

Gene: CARD8 (caspase recruitment domain family member 8; minus strand). Cytogenetic location: 19q13.33.
Variant type: single nucleotide variant.
Coding change: c.928C>T on transcript NM_001184900.3 (MANE Select); coding-DNA position 928, C replaced by T.
Protein change: p.Arg310Cys; replaces arginine 310 with cysteine.
Molecular consequence: missense variant. On other transcripts: non-coding transcript variant (4).
Genome position (GRCh38, 1-based): chr19:48,230,545, G>A on the plus strand (C>T on the coding strand, the complement: CARD8 is on the minus strand). VCF-style: chr19-48230545-G-A. GRCh37 (hg19) VCF-style: chr19-48733802-G-A.
Other names: c.778C>T, p.Arg260Cys (NM_001184901.1, NM_001351783.2, NM_001351788.2 and 2 more transcripts); c.928C>T, p.Arg310Cys (NM_001184902.2, NM_001184903.1, NM_001351782.2); c.613C>T, p.Arg205Cys (NM_001351784.2, NM_001351787.2, NM_001351791.2 and 1 more transcripts); c.592C>T, p.Arg198Cys (NM_001351786.2); c.685C>T, p.Arg229Cys (NM_001351790.2); c.610C>T, p.Arg204Cys (NM_001365950.1); c.928C>T (NM_001184900.1); short protein forms R198C, R229C, R205C, R260C, R204C, R310C.
Identifiers: ClinVar variation 2081191 (VCV002081191.5), dbSNP rs375966868, ClinGen allele CA9547871.

ClinVar aggregate classification (germline): Uncertain significance. Review status: criteria provided, multiple submitters, no conflicts (2 of 4 stars). 2 submissions from 2 submitters: Uncertain significance (2). Last evaluated 2025-12-15.

Allele frequency attached by ClinVar (database versions not stated): ExAC 0.00001; gnomAD 0.00001; gnomAD exomes 0.00002; ESP Exome Variant Server 0.00008.
gnomAD v4.1: 24 of 1,614,032 alleles (0.0015%); highest among the groups gnomAD compares: South Asian, 0.0055%; no homozygotes.

Submissions (2):

Ambry Genetics
Classification: Uncertain significance. Last evaluated: 2025-12-15. Review status: criteria provided, single submitter. Criteria: Ambry Variant Classification Scheme 2023. Collection method: clinical testing. Allele origin: germline.

Labcorp Genetics (formerly Invitae), Labcorp
Classification: Uncertain significance. Last evaluated: 2023-10-11. Review status: criteria provided, single submitter. Criteria: Invitae Variant Classification Sherloc (09022015). Collection method: clinical testing. Allele origin: germline.
Comment: This sequence change replaces arginine, which is basic and polar, with cysteine, which is neutral and slightly polar, at codon 260 of the CARD8 protein (p.Arg260Cys). This variant is present in population databases (rs375966868, gnomAD 0.01%). This variant has not been reported in the literature in individuals affected with CARD8-related conditions. ClinVar contains an entry for this variant (Variation ID: 2081191). Algorithms developed to predict the effect of missense changes on protein structure and function output the following: SIFT: "Not Available"; PolyPhen-2: "Benign"; Align-GVGD: "Not Available". The cysteine amino acid residue is found in multiple mammalian species, which suggests that this missense change does not adversely affect protein function. In summary, the available evidence is currently insufficient to determine the role of this variant in disease. Therefore, it has been classified as a Variant of Uncertain Significance.